The following is an entry in ClinVar:

NM_001042413.2(GLIS3):c.2656+6T>A

Gene: GLIS3 (GLIS family zinc finger 3; minus strand). Cytogenetic location: 9p24.2.
Variant type: single nucleotide variant.
Coding change: c.2656+6T>A on transcript NM_001042413.2 (MANE Select); 6 bases into the intron after coding-DNA position 2656, T replaced by A.
Molecular consequence: intron variant.
Genome position (GRCh38, 1-based): chr9:3,829,304, A>T on the plus strand (T>A on the coding strand, the complement: GLIS3 is on the minus strand). VCF-style: chr9-3829304-A-T. GRCh37 (hg19) VCF-style: chr9-3829304-A-T.
Other names: c.1990+6T>A (NM_001438912.1, NM_001438911.1); c.2191+6T>A (NM_001438909.1, NM_152629.4); c.2656+6T>A (NM_001438908.1, NM_001438906.1, NM_001438907.1).
Identifiers: ClinVar variation 5007450 (VCV005007450.2).

ClinVar aggregate classification (germline): Uncertain significance (1 of 4 stars; one submission).

Conditions:
Neonatal diabetes mellitus with congenital hypothyroidism. Also called: NDH SYNDROME. Identifiers: Orphanet 79118, MedGen C1857775, MONDO:0012436, OMIM 610199.

Submission:

Juno Genomics, Hangzhou Juno Genomics, Inc
Classification: Uncertain significance for Neonatal diabetes mellitus with congenital hypothyroidism. Review status: criteria provided, single submitter. Criteria: ACMG Guidelines, 2015. Collection method: clinical testing. Allele origin: germline.
Comment: Absent from controls (or at extremely low frequency if recessive) in Genome Aggregation Database.;Multiple lines of computational evidence support a deleterious effect on the gene or gene product.